The following is an entry in ClinVar:

ClinVar aggregate classification (germline): Pathogenic (1 of 4 stars; one submission).

Conditions:
Beckwith-Wiedemann syndrome (BWS). Also called: EMG SYNDROME; Exomphalos macroglossia gigantism syndrome. Identifiers: Orphanet 116, MedGen C0004903, MONDO:0007534, OMIM 130650.

Submission:

Labcorp Genetics (formerly Invitae), Labcorp
Classification: Pathogenic for Beckwith-Wiedemann syndrome. Last evaluated: 2019-11-25. Review status: criteria provided, single submitter. Criteria: Invitae Variant Classification Sherloc (09022015). Collection method: clinical testing. Allele origin: germline.
Comment: For these reasons, this variant has been classified as Pathogenic. This variant has been reported to affect CDKN1C protein function (PMID: 22634751, 25861374, 26077438). This variant has been observed in individual(s) with Beckwith-Wiedemann syndrome (BWS) or clinical features of BWS (PMID: 11414765, 26077438, Invitae). This variant is not present in population databases (ExAC no frequency). This sequence change replaces leucine with proline at codon 42 of the CDKN1C protein (p.Leu42Pro). The leucine residue is highly conserved and there is a moderate physicochemical difference between leucine and proline.

Literature cited by the submitters: PubMed 22634751; PubMed 25861374; PubMed 26077438; PubMed 11414765.

NM_001122630.2(CDKN1C):c.92T>C (p.Leu31Pro)

Gene: CDKN1C (cyclin dependent kinase inhibitor 1C; minus strand). Cytogenetic location: 11p15.4.
Variant type: single nucleotide variant.
Coding change: c.92T>C on transcript NM_001122630.2 (MANE Select); coding-DNA position 92, T replaced by C.
Protein change: p.Leu31Pro; replaces leucine 31 with proline.
Molecular consequence: missense variant.
Genome position (GRCh38, 1-based): chr11:2,885,365, A>G on the plus strand (T>C on the coding strand, the complement: CDKN1C is on the minus strand). VCF-style: chr11-2885365-A-G. GRCh37 (hg19) VCF-style: chr11-2906595-A-G.
Other names: c.125T>C, p.Leu42Pro (NM_000076.2, NM_001362474.2); c.92T>C, p.Leu31Pro (NM_001122631.2, NM_001362475.2); short protein forms L42P, L31P.
Identifiers: ClinVar variation 854857 (VCV000854857.9), dbSNP rs1848977725, ClinGen allele CA379147681.